The following is an entry in ClinVar:

ClinVar aggregate classification (germline): Uncertain significance. Review status: criteria provided, multiple submitters, no conflicts (2 of 4 stars). 5 submissions from 5 submitters: Uncertain significance (5). Last evaluated 2025-03-28.

Conditions:
Hearing impairment. Also called: Impaired Hearing. Identifiers: MedGen C1384666, MONDO:0005365, HP:0000365.
Usher syndrome type 1 (USH1). Also called: RETINITIS PIGMENTOSA AND CONGENITAL DEAFNESS. Identifiers: Orphanet 231169, Orphanet 886, MedGen C1568247, MONDO:0010168, OMIM 276900.

Allele frequency attached by ClinVar (database versions not stated): gnomAD 0.00003 and 0.00004; TOPMed 0.00004; gnomAD exomes 0.00007; ExAC 0.00011.
gnomAD v4.1: 107 of 1,613,560 alleles (0.0066%); highest among the groups gnomAD compares: Non-Finnish European, 0.0089%; no homozygotes.

Submissions (5):

GeneDx
Classification: Uncertain significance. Last evaluated: 2025-03-28. Review status: criteria provided, single submitter. Criteria: GeneDx Variant Classification Process June 2021. Collection method: clinical testing. Allele origin: germline. Affected: yes.
Comment: In silico analysis supports that this missense variant has a deleterious effect on protein structure/function; This variant is associated with the following publications: (PMID: 38927702)

Blueprint Genetics
Classification: Uncertain significance. Last evaluated: 2024-07-11. Review status: criteria provided, single submitter. Criteria: ACMG Guidelines, 2015. Collection method: clinical testing. Allele origin: germline.

Labcorp Genetics (formerly Invitae), Labcorp
Classification: Uncertain significance. Last evaluated: 2022-02-09. Review status: criteria provided, single submitter. Criteria: Invitae Variant Classification Sherloc (09022015). Collection method: clinical testing. Allele origin: germline.
Comment: This sequence change replaces aspartic acid, which is acidic and polar, with histidine, which is basic and polar, at codon 318 of the PCDH15 protein (p.Asp318His). This variant is present in population databases (rs747921916, gnomAD 0.02%). This variant has not been reported in the literature in individuals affected with PCDH15-related conditions. ClinVar contains an entry for this variant (Variation ID: 878469). Algorithms developed to predict the effect of missense changes on protein structure and function are either unavailable or do not agree on the potential impact of this missense change (SIFT: "Deleterious"; PolyPhen-2: "Probably Damaging"; Align-GVGD: "Class C0"). In summary, the available evidence is currently insufficient to determine the role of this variant in disease. Therefore, it has been classified as a Variant of Uncertain Significance.

Department of Otolaryngology – Head & Neck Surgery, Cochlear Implant Center
Classification: Uncertain significance for Hearing impairment. Last evaluated: 2021-04-12. Review status: criteria provided, single submitter. Criteria: ClinGen HL ACMG Specifications v1. Collection method: clinical testing. Allele origin: germline. Affected: yes.
Comment: PM2_Moderate, PP3_Supporting

Illumina Laboratory Services, Illumina
Classification: Uncertain significance for Usher syndrome type 1. Last evaluated: 2018-01-12. Review status: criteria provided, single submitter. Criteria: ICSL Variant Classification Criteria 13 December 2019. Collection method: clinical testing. Allele origin: germline.

NM_001384140.1(PCDH15):c.952G>C (p.Asp318His)

Gene: PCDH15 (protocadherin related 15; minus strand). Cytogenetic location: 10q21.1.
Variant type: single nucleotide variant.
Coding change: c.952G>C on transcript NM_001384140.1 (MANE Select); coding-DNA position 952, G replaced by C.
Protein change: p.Asp318His; replaces aspartic acid 318 with histidine.
Molecular consequence: missense variant.
Genome position (GRCh38, 1-based): chr10:54,236,856, C>G on the plus strand (G>C on the coding strand, the complement: PCDH15 is on the minus strand). VCF-style: chr10-54236856-C-G. GRCh37 (hg19) VCF-style: chr10-55996616-C-G.
Other names: c.967G>C, p.Asp323His (NM_001142763.2, NM_001142769.4, NM_001142771.2); c.952G>C, p.Asp318His (NM_001142764.2, NM_001142765.2, NM_001142766.2 and 7 more transcripts); c.841G>C, p.Asp281His (NM_001142767.2); c.886G>C, p.Asp296His (NM_001142768.2, NM_001142773.2, NM_001354404.2); short protein forms D323H, D296H, D318H, D281H.
Identifiers: ClinVar variation 878469 (VCV000878469.10), dbSNP rs747921916, ClinGen allele CA5506533.
Genomic context (GRCh38, chr10:54,236,856, plus strand): 5'-TAGTGTAAAATGTTATCAGATACAAACCAACAAGGATGGAATAGAGGATTCCTGGCCTAT[C>G]TGATGGCGGTTGAATATTCCGGTCCTGATCAATGGCTTGGATTGGTGGCGTAACAATAAT-3'
Protein context (NP_001371069.1, residues 308-328): DQDRNIQPPS[Asp318His]RPGILYSILV